The following is an entry in ClinVar:

NM_000088.4(COL1A1):c.560G>T (p.Arg187Leu)

Gene: COL1A1 (collagen type I alpha 1 chain; minus strand). Cytogenetic location: 17q21.33.
Variant type: single nucleotide variant.
Coding change: c.560G>T on transcript NM_000088.4 (MANE Select); coding-DNA position 560, G replaced by T.
Protein change: p.Arg187Leu; replaces arginine 187 with leucine.
Molecular consequence: missense variant.
Genome position (GRCh38, 1-based): chr17:50,198,189, C>A on the plus strand (G>T on the coding strand, the complement: COL1A1 is on the minus strand). VCF-style: chr17-50198189-C-A. GRCh37 (hg19) VCF-style: chr17-48275550-C-A.
Other names: short protein forms R187L.
Identifiers: ClinVar variation 4800901 (VCV004800901.1).

ClinVar aggregate classification (germline): Uncertain significance (1 of 4 stars; one submission).

Conditions:
Osteogenesis imperfecta type I (OI1). Also called: OI, TYPE I; OSTEOGENESIS IMPERFECTA TARDA; OSTEOGENESIS IMPERFECTA WITH BLUE SCLERAE; Lobstein's Disease; Osteogenesis imperfecta type 1; Classic Non-deforming Osteogenesis Imperfecta with Blue Sclerae. Identifiers: Orphanet 216796, Orphanet 666, MedGen C0023931, MONDO:0008146, OMIM 166200. Disease mechanism: loss of function.

Submission:

Labcorp Genetics (formerly Invitae), Labcorp
Classification: Uncertain significance for Osteogenesis imperfecta type I. Last evaluated: 2025-12-20. Review status: criteria provided, single submitter. Criteria: Invitae Variant Classification Sherloc (09022015). Collection method: clinical testing. Allele origin: germline.
Comment: This sequence change replaces arginine, which is basic and polar, with leucine, which is neutral and non-polar, at codon 187 of the COL1A1 protein (p.Arg187Leu). This variant is not present in population databases (gnomAD no frequency). This variant has not been reported in the literature in individuals affected with COL1A1-related conditions. Invitae Evidence Modeling of protein sequence and biophysical properties (such as structural, functional, and spatial information, amino acid conservation, physicochemical variation, residue mobility, and thermodynamic stability) has been performed for this missense variant. However, the output from this modeling did not meet the statistical confidence thresholds required to predict the impact of this variant on COL1A1 protein function. In summary, the available evidence is currently insufficient to determine the role of this variant in disease. Therefore, it has been classified as a Variant of Uncertain Significance.